The following is an entry in ClinVar:

ClinVar aggregate classification (germline): Uncertain significance (1 of 4 stars; one submission).

Submission:

Labcorp Genetics (formerly Invitae), Labcorp
Classification: Uncertain significance. Last evaluated: 2020-10-25. Review status: criteria provided, single submitter. Criteria: Invitae Variant Classification Sherloc (09022015). Collection method: clinical testing. Allele origin: germline.
Comment: This variant is not present in population databases (ExAC no frequency). In summary, the available evidence is currently insufficient to determine the role of this variant in disease. Therefore, it has been classified as a Variant of Uncertain Significance. Algorithms developed to predict the effect of missense changes on protein structure and function (SIFT, PolyPhen-2, Align-GVGD) all suggest that this variant is likely to be tolerated, but these predictions have not been confirmed by published functional studies and their clinical significance is uncertain. This variant has not been reported in the literature in individuals with POLR3A-related conditions. This sequence change replaces aspartic acid with histidine at codon 1096 of the POLR3A protein (p.Asp1096His). The aspartic acid residue is moderately conserved and there is a moderate physicochemical difference between aspartic acid and histidine.

NM_007055.4(POLR3A):c.3286G>C (p.Asp1096His)

Genes: POLR3A (RNA polymerase III subunit A; minus strand), LOC126860970 (BRD4-independent group 4 enhancer GRCh37_chr10:79743812-79745011; plus strand). Cytogenetic location: 10q22.3.
Variant type: single nucleotide variant.
Coding change: c.3286G>C on transcript NM_007055.4 (MANE Select); coding-DNA position 3286, G replaced by C.
Protein change: p.Asp1096His; replaces aspartic acid 1096 with histidine.
Molecular consequence: missense variant.
Genome position (GRCh38, 1-based): chr10:77,984,255, C>G on the plus strand (G>C on the coding strand, the complement: POLR3A is on the minus strand). VCF-style: chr10-77984255-C-G. GRCh37 (hg19) VCF-style: chr10-79744013-C-G.
Other names: short protein forms D1096H.
Identifiers: ClinVar variation 1009026 (VCV001009026.9), dbSNP rs1847176290, ClinGen allele CA377330373.